The following is an entry in ClinVar:

NM_001148.6(ANK2):c.4744C>T (p.Arg1582Trp)

Gene: ANK2 (ankyrin 2; plus strand). Cytogenetic location: 4q26.
Variant type: single nucleotide variant.
Coding change: c.4744C>T on transcript NM_001148.6 (MANE Select); coding-DNA position 4744, C replaced by T.
Protein change: p.Arg1582Trp; replaces arginine 1582 with tryptophan.
Molecular consequence: missense variant. On other transcripts: intron variant (68).
Genome position (GRCh38, 1-based): chr4:113,353,362, C>T. VCF-style: chr4-113353362-C-T. GRCh37 (hg19) VCF-style: chr4-114274518-C-T.
Other names: c.4510C>T, p.Arg1504Trp (NM_001386142.1); c.1144C>T, p.Arg382Trp (NM_001386166.1); c.4885C>T, p.Arg1629Trp (NM_001386174.1); c.4861C>T, p.Arg1621Trp (NM_001386175.1); c.4411+3113C>T (NM_001386186.2, NM_001386148.2); c.4213+3113C>T (NM_001354269.3); c.4291+3113C>T (NM_001386187.2); c.4252+3113C>T (NM_001386147.1); and 36 more; short protein forms R1582W, R1504W, R1621W, R1629W, R382W.
Identifiers: ClinVar variation 180269 (VCV000180269.50), dbSNP rs35249198, ClinGen allele CA199878.

ClinVar aggregate classification (germline): Benign/Likely benign. Review status: criteria provided, multiple submitters, no conflicts (2 of 4 stars). 13 submissions from 13 submitters: Benign (7); Likely benign (4). 2 of the submissions do not count toward it. Last evaluated 2026-04-01.

Conditions:
Cardiovascular phenotype. Identifiers: MedGen CN230736.
Long QT syndrome (LQTS). Identifiers: MedGen C0023976, MeSH D008133, MONDO:0002442. Disease mechanism: loss of function. Inheritance: Various modes of inheritance.
Cardiac arrhythmia, ankyrin-B-related. Also called: ANKYRIN-B SYNDROME. Identifiers: Orphanet 101016, Orphanet 768, MedGen C1970119, MONDO:0010958, OMIM 600919.

Allele frequency attached by ClinVar (database versions not stated): ExAC 0.00217; 1000 Genomes Project 0.00319; TOPMed 0.00326; 1000 Genomes Project 30x 0.00359; ESP Exome Variant Server 0.00377; gnomAD 0.00379 and 0.00403.
gnomAD v4.1: 2,967 of 1,613,906 alleles (0.18%); highest among the groups gnomAD compares: African/African-American, 0.91%; 8 homozygotes.

Submissions (13):

CeGaT Center for Human Genetics Tuebingen
Classification: Likely benign. Last evaluated: 2026-04-01. Review status: criteria provided, single submitter. Criteria: CeGaT Center For Human Genetics Tuebingen Variant Classification Criteria Version 2. Collection method: clinical testing. Allele origin: germline. Affected: yes. Observed: 2 variant alleles.
Comment: ANK2: BP4, BS1

Labcorp Genetics (formerly Invitae), Labcorp
Classification: Benign for Long QT syndrome. Last evaluated: 2026-01-28. Review status: criteria provided, single submitter. Criteria: Invitae Variant Classification Sherloc (09022015). Collection method: clinical testing. Allele origin: germline.

Molecular Diagnostic Laboratory for Inherited Cardiovascular Disease, Montreal Heart Institute
Classification: Benign. Last evaluated: 2025-04-09. Review status: criteria provided, single submitter. Criteria: ACMG Guidelines, 2015. Collection method: clinical testing. Allele origin: germline. Affected: no.

Blueprint Genetics
Classification: Likely benign. Last evaluated: 2024-11-25. Review status: criteria provided, single submitter. Criteria: ACMG Guidelines, 2015. Collection method: clinical testing. Allele origin: germline.

Genome-Nilou Lab
Classification: Benign for Cardiac arrhythmia, ankyrin-B-related. Last evaluated: 2021-12-05. Review status: criteria provided, single submitter. Criteria: ACMG Guidelines, 2015. Collection method: clinical testing. Allele origin: germline. Affected: no.

Women's Health and Genetics/Laboratory Corporation of America, LabCorp
Classification: Benign. Last evaluated: 2018-03-06. Review status: criteria provided, single submitter. Criteria: LabCorp Variant Classification Summary - May 2015. Collection method: clinical testing. Allele origin: germline.
Comment: Variant summary: ANK2 c.4744C>T (p.Arg1582Trp) results in a non-conservative amino acid change in the encoded protein sequence. Three of five in-silico tools predict a damaging effect of the variant on protein function. The variant allele was found at a frequency of 0.0024 in 278208 control chromosomes in the gnomAD database, predominantly within the Finnish subpopulation at a frequency of 0.01, including 2 homozygotes. The observed variant frequency within Finnish control individuals in the gnomAD database is approximately 1000 fold of the estimated maximal expected allele frequency for a pathogenic variant in ANK2 causing Arrhythmia phenotype (1e-05), strongly suggesting that the variant is a benign polymorphism. c.4744C>T has been reported in the literature in heterozygosity in healthy individuals without arrhythmia or elongation of the QT interval (Ghouse 2015). This report provides further support about the benign nature of the variant. Three clinical diagnostic laboratories have submitted clinical-significance assessments for this variant to ClinVar after 2014, without evidence for independent evaluation, classifying the variant as benign(2)/VUS(1). Based on the evidence outlined above, the variant was classified as benign.

Illumina Laboratory Services, Illumina
Classification: Likely benign for Cardiac arrhythmia, ankyrin-B-related. Last evaluated: 2018-01-12. Review status: criteria provided, single submitter. Criteria: ICSL Variant Classification Criteria 13 December 2019. Collection method: clinical testing. Allele origin: germline.
Comment: This variant was observed in the ICSL laboratory as part of a predisposition screen in an ostensibly healthy population. It had not been previously curated by ICSL or reported in the Human Gene Mutation Database (HGMD: prior to June 1st, 2018), and was therefore a candidate for classification through an automated scoring system. Utilizing variant allele frequency, disease prevalence and penetrance estimates, and inheritance mode, an automated score was calculated to assess if this variant is too frequent to cause the disease. Based on the score and internal cut-off values, a variant classified as likely benign is not then subjected to further curation. The score for this variant resulted in a classification of likely benign for this disease.

GeneDx
Classification: Benign. Last evaluated: 2016-12-13. Review status: criteria provided, single submitter. Criteria: GeneDx Variant Classification (06012015). Collection method: clinical testing. Allele origin: germline. Affected: yes.
Comment: This variant is considered likely benign or benign based on one or more of the following criteria: it is a conservative change, it occurs at a poorly conserved position in the protein, it is predicted to be benign by multiple in silico algorithms, and/or has population frequency not consistent with disease.

Ambry Genetics
Classification: Benign for Cardiovascular phenotype. Last evaluated: 2016-10-23. Review status: criteria provided, single submitter. Criteria: Ambry Variant Classification Scheme 2023. Collection method: clinical testing. Allele origin: germline.

Biesecker Lab/Clinical Genomics Section, National Institutes of Health
Classification: Benign. Last evaluated: 2013-06-24. Review status: criteria provided, single submitter. Criteria: Ng et al. (Circ Cardiovasc Genet. 2013). Collection method: research. Allele origin: unknown. Observed: 2 variant alleles. Study: ClinSeq.
Comment: The study set was not selected for affection status in relation to any cancer. Pathogenicity categories were based on literature curation. See Pubmed ID:23861362 for details.

Medical sequencing

Breakthrough Genomics
Classification: Likely benign. Review status: criteria provided, single submitter. Criteria: ACMG Guidelines, 2015. Collection method: not provided. Allele origin: germline. Inheritance: Autosomal dominant inheritance. Affected: yes.

Clinical Genetics, Academic Medical Center
Classification: Benign. Review status: no assertion criteria provided. Collection method: clinical testing. Allele origin: germline. Affected: yes. Study: VKGL Data-share Consensus. Not counted in ClinVar's aggregate classification.

Genome Diagnostics Laboratory, University Medical Center Utrecht
Classification: Benign. Review status: no assertion criteria provided. Collection method: clinical testing. Allele origin: germline. Affected: yes. Study: VKGL Data-share Consensus. Not counted in ClinVar's aggregate classification.

Literature cited by the submitters: PubMed 23861362 (cited by Women's Health and Genetics/Laboratory Corporation of America, LabCorp).